The following is an entry in ClinVar:

ClinVar aggregate classification (germline): Pathogenic. Review status: criteria provided, multiple submitters, no conflicts (2 of 4 stars). 3 submissions from 3 submitters: Pathogenic (2). 1 of the submissions does not count toward it. Last evaluated 2019-03-14.

Conditions:
Tuberous sclerosis syndrome (TSC). Also called: Tuberous Sclerosis Complex; Tuberous sclerosis. Identifiers: Orphanet 805, MedGen C0041341, MONDO:0001734.
Tuberous sclerosis 2 (TSC2). Identifiers: Orphanet 805, MedGen C1860707, MONDO:0013199, OMIM 613254.

Submissions (3):

Labcorp Genetics (formerly Invitae), Labcorp
Classification: Pathogenic for Tuberous sclerosis 2. Last evaluated: 2019-03-14. Review status: criteria provided, single submitter. Criteria: Invitae Variant Classification Sherloc (09022015). Collection method: clinical testing. Allele origin: germline.
Comment: This sequence change affects an acceptor splice site in intron 39 of the TSC2 gene. It is expected to disrupt RNA splicing and likely results in an absent or disrupted protein product. Donor and acceptor splice site variants typically lead to a loss of protein function (PMID: 16199547), and loss-of-function variants in TSC2 are known to be pathogenic (PMID: 10205261, 17304050). For these reasons, this variant has been classified as Pathogenic. Disruption of this splice site has been observed in individuals affected with tuberous sclerosis complex (PMID: 10205261, 11112665, 16114042). This variant is also known as IVS38-2A>G, c.5087-2A>G in the literature. ClinVar contains an entry for this variant (Variation ID: 50066). This variant is not present in population databases (ExAC no frequency).

Revvity Omics, Revvity
Classification: Pathogenic for Tuberous sclerosis 2. Last evaluated: 2019-01-17. Review status: criteria provided, single submitter. Criteria: ACMG Guidelines, 2015. Collection method: clinical testing. Allele origin: germline.

Tuberous sclerosis database (TSC2)
No classification provided. Condition: TSC. Review status: no classification provided. Criteria: Tuberous Sclerosis Database Assertion Criteria 2015. Collection method: curation. Allele origin: germline. Affected: yes. Not counted in ClinVar's aggregate classification.

Literature cited by the submitters: PubMed 16199547 (cited by Labcorp Genetics (formerly Invitae), Labcorp); PubMed 10205261 (cited by Labcorp Genetics (formerly Invitae), Labcorp); PubMed 17304050 (cited by Labcorp Genetics (formerly Invitae), Labcorp); PubMed 11112665 (cited by Labcorp Genetics (formerly Invitae), Labcorp); PubMed 16114042 (cited by Labcorp Genetics (formerly Invitae), Labcorp).

NM_000548.5(TSC2):c.5069-2A>G

Gene: TSC2 (TSC complex subunit 2; plus strand). Cytogenetic location: 16p13.3.
Variant type: single nucleotide variant.
Coding change: c.5069-2A>G on transcript NM_000548.5 (MANE Select); the canonical splice acceptor site of the intron before coding-DNA position 5069, A replaced by G.
Molecular consequence: splice acceptor variant.
Genome position (GRCh38, 1-based): chr16:2,088,046, A>G. VCF-style: chr16-2088046-A-G. GRCh37 (hg19) VCF-style: chr16-2138047-A-G.
Other names: c.3527-2A>G (NM_001406693.1, NM_001406692.1, NM_001406694.1); c.4961-2A>G (NM_001406667.1); c.4958-2A>G (NM_001406668.1); c.4469-2A>G (NM_001406680.1); c.4400-2A>G (NM_001406683.1, NM_001406682.1); c.4268-2A>G (NM_001406687.1, NM_001406688.1); c.3656-2A>G (NM_001406689.1); c.3596-2A>G (NM_001406690.1); and 26 more.
Identifiers: ClinVar variation 50066 (VCV000050066.14), dbSNP rs45487291, ClinGen allele CA021662.